The following is an entry in ClinVar:

NM_001267550.2(TTN):c.96944_96945dup (p.Ile32316fs)

Genes: TTN (titin; minus strand), TTN-AS1 (TTN antisense RNA 1; plus strand), LOC126806421 (CDK7 strongly-dependent group 2 enhancer GRCh37_chr2:179407630-179408829; plus strand). Cytogenetic location: 2q31.2.
Variant type: Duplication.
Coding change: c.96944_96945dup on transcript NM_001267550.2 (MANE Select); coding-DNA positions 96944 to 96945, 2 bases duplicated (CC; older notation c.96944_96945dupCC).
Protein change: p.Ile32316fs; shifts the reading frame from isoleucine 32316.
Molecular consequence: frameshift variant.
Genome position (GRCh38, 1-based): chr2:178,542,909-178,542,910, GG duplicated on the plus strand (CC on the coding strand, the reverse complement: TTN is on the minus strand). VCF-style (leftmost placement, unchanged base first): chr2-178542908-T-TGG. GRCh37 (hg19) VCF-style: chr2-179407635-T-TGG.
Other names: c.92021_92022dup, p.Ile30675fs (NM_001256850.1); c.69749_69750dup, p.Ile23251fs (NM_003319.4); c.89240_89241dup, p.Ile29748fs (NM_133378.4); c.70124_70125dup, p.Ile23376fs (NM_133432.3); c.70325_70326dup, p.Ile23443fs (NM_133437.4); short protein forms I30675fs, I23376fs, I29748fs, I23251fs, I23443fs, I32316fs.
Identifiers: ClinVar variation 2142197 (VCV002142197.4), dbSNP rs2468908325, ClinGen allele CA2580064610.
Genomic context (GRCh38, chr2:178,542,908, plus strand): 5'-GAGGTGGACGGCCAGCAATAGGTATCACCAGCTCTACTGGTCTGCCAGCTGGGACATGGA[T>TGG]GGTCTTCTGAGGCATTGTAGAAAGATCGATTGTTGGCAACACTATGGGAAAGAAATCAGG-3'

ClinVar aggregate classification (germline): Likely pathogenic (1 of 4 stars; one submission).

Conditions:
Dilated cardiomyopathy 1G (CMD1G). Identifiers: Orphanet 154, MedGen C1858763, MONDO:0011400, OMIM 604145.
Autosomal recessive limb-girdle muscular dystrophy type 2J (LGMDR10). Also called: Limb-girdle muscular dystrophy, type 2J; MUSCULAR DYSTROPHY, LIMB-GIRDLE, AUTOSOMAL RECESSIVE 10. Identifiers: Orphanet 140922, MedGen C1837342, MONDO:0012127, OMIM 608807.

Submission:

Labcorp Genetics (formerly Invitae), Labcorp
Classification: Likely pathogenic for Dilated cardiomyopathy 1G; Autosomal recessive limb-girdle muscular dystrophy type 2J. Last evaluated: 2025-05-17. Review status: criteria provided, single submitter. Criteria: Invitae Variant Classification Sherloc (09022015). Collection method: clinical testing. Allele origin: germline.
Comment: This sequence change creates a premature translational stop signal (p.Ile32316Profs*10) in the TTN gene. While this is not anticipated to result in nonsense mediated decay, it is expected to create a truncated TTN protein. This variant is not present in population databases (gnomAD no frequency). This variant has not been reported in the literature in individuals affected with TTN-related conditions. ClinVar contains an entry for this variant (Variation ID: 2142197). This variant is located in the A band of TTN (PMID: 25589632). Truncating variants in this region are significantly overrepresented in patients affected with dilated cardiomyopathy (PMID: 25589632). Truncating variants in this region have also been reported in individuals affected with autosomal recessive centronuclear myopathy (PMID: 23975875). In summary, the currently available evidence indicates that the variant is pathogenic, but additional data are needed to prove that conclusively. Therefore, this variant has been classified as Likely Pathogenic.

Literature cited by the submitters: PubMed 25589632; PubMed 23975875.